The following is an entry in ClinVar:

NM_001242896.3(DEPDC5):c.1064A>G (p.Gln355Arg)

Gene: DEPDC5 (DEP domain containing 5, GATOR1 subcomplex subunit; plus strand). Cytogenetic location: 22q12.3.
Variant type: single nucleotide variant.
Coding change: c.1064A>G on transcript NM_001242896.3 (MANE Select); coding-DNA position 1064, A replaced by G.
Protein change: p.Gln355Arg; replaces glutamine 355 with arginine.
Molecular consequence: missense variant. On other transcripts: non-coding transcript variant (5).
Genome position (GRCh38, 1-based): chr22:31,802,821, A>G. VCF-style: chr22-31802821-A-G. GRCh37 (hg19) VCF-style: chr22-32198807-A-G.
Other names: c.1064A>G, p.Gln355Arg (NM_001007188.4, NM_001136029.4, NM_001242897.2 and 7 more transcripts); c.980A>G, p.Gln327Arg (NM_001369901.1, NM_001369902.1); short protein forms Q355R, Q327R.
Identifiers: ClinVar variation 2768080 (VCV002768080.3), dbSNP rs2518879129, ClinGen allele CA411292977.
Genomic context (GRCh38, chr22:31,802,821, plus strand): 5'-TGATCACGCCCGGGGTGGGTGTCTTTGAAGTGGACCGCCTACTCATGATCCTGACCAAGC[A>G]GCGGATGATAGATAATGGTAATGCTCTCTGGTTTGTGCCCTGTCTCCACATGTTCCTAGC-3'
Protein context (NP_001229825.1, residues 345-365): VDRLLMILTK[Gln355Arg]RMIDNGIGVD

ClinVar aggregate classification (germline): Uncertain significance (1 of 4 stars; one submission).

Conditions:
Familial focal epilepsy with variable foci (FPEVF). Identifiers: Orphanet 98820, MedGen C1858477, MONDO:0020310.

Submission:

Labcorp Genetics (formerly Invitae), Labcorp
Classification: Uncertain significance for Familial focal epilepsy with variable foci. Last evaluated: 2023-10-22. Review status: criteria provided, single submitter. Criteria: Invitae Variant Classification Sherloc (09022015). Collection method: clinical testing. Allele origin: germline.
Comment: This sequence change replaces glutamine, which is neutral and polar, with arginine, which is basic and polar, at codon 355 of the DEPDC5 protein (p.Gln355Arg). This variant is not present in population databases (gnomAD no frequency). This variant has not been reported in the literature in individuals affected with DEPDC5-related conditions. Experimental studies and prediction algorithms are not available or were not evaluated, and the functional significance of this variant is currently unknown. In summary, the available evidence is currently insufficient to determine the role of this variant in disease. Therefore, it has been classified as a Variant of Uncertain Significance.